The following is an entry in ClinVar:

NM_177939.3(P4HTM):c.649G>T (p.Gly217Ter)

Gene: P4HTM (prolyl 4-hydroxylase, transmembrane; plus strand). Cytogenetic location: 3p21.31.
Variant type: single nucleotide variant.
Coding change: c.649G>T on transcript NM_177939.3 (MANE Select); coding-DNA position 649, G replaced by T.
Protein change: p.Gly217Ter; replaces glycine 217 with a stop codon.
Molecular consequence: nonsense.
Genome position (GRCh38, 1-based): chr3:49,002,521, G>T. VCF-style: chr3-49002521-G-T. GRCh37 (hg19) VCF-style: chr3-49039954-G-T.
Other names: c.649G>T, p.Gly217Ter (NM_177938.2); short protein forms G217*.
Identifiers: ClinVar variation 2156633 (VCV002156633.1), dbSNP rs1361197028, ClinGen allele CA352654191.

ClinVar aggregate classification (germline): Pathogenic (1 of 4 stars; one submission).

Submission:

Labcorp Genetics (formerly Invitae), Labcorp
Classification: Pathogenic. Last evaluated: 2022-07-05. Review status: criteria provided, single submitter. Criteria: Invitae Variant Classification Sherloc (09022015). Collection method: clinical testing. Allele origin: germline.
Comment: This sequence change creates a premature translational stop signal (p.Gly217*) in the P4HTM gene. It is expected to result in an absent or disrupted protein product. Loss-of-function variants in P4HTM are known to be pathogenic (PMID: 30940925). This variant is not present in population databases (gnomAD no frequency). This variant has not been reported in the literature in individuals affected with P4HTM-related conditions. For these reasons, this variant has been classified as Pathogenic.

Literature cited by the submitters: PubMed 30940925.